The following is an entry in ClinVar:

NM_002334.4(LRP4):c.3752C>T (p.Pro1251Leu)

Gene: LRP4 (LDL receptor related protein 4; minus strand). Cytogenetic location: 11p11.2.
Variant type: single nucleotide variant.
Coding change: c.3752C>T on transcript NM_002334.4 (MANE Select); coding-DNA position 3752, C replaced by T.
Protein change: p.Pro1251Leu; replaces proline 1251 with leucine.
Molecular consequence: missense variant.
Genome position (GRCh38, 1-based): chr11:46,875,629, G>A on the plus strand (C>T on the coding strand, the complement: LRP4 is on the minus strand). VCF-style: chr11-46875629-G-A. GRCh37 (hg19) VCF-style: chr11-46897180-G-A.
Other names: short protein forms P1251L.
Identifiers: ClinVar variation 304866 (VCV000304866.24), dbSNP rs145422541, ClinGen allele CA5969491.

ClinVar aggregate classification (germline): Uncertain significance. Review status: criteria provided, multiple submitters, no conflicts (2 of 4 stars). 6 submissions from 6 submitters: Uncertain significance (6). Last evaluated 2025-04-01.

Conditions:
LRP4-related disorder. Also called: LRP4-related condition.
Sclerosteosis 2 (SOST2). Identifiers: Orphanet 3152, MedGen C3280402, MONDO:0013679, OMIM 614305.
Cenani-Lenz syndactyly syndrome. Also called: SYNDACTYLY, TYPE VII; CENANI SYNDACTYLISM. Identifiers: Orphanet 3258, MedGen C1859309, MONDO:0008931, OMIM 212780.
Congenital myasthenic syndrome 17. Identifiers: Orphanet 590, MedGen C4225377, MONDO:0014578, OMIM 616304.
Inborn genetic diseases. Identifiers: MedGen C0950123, MeSH D030342.

Allele frequency attached by ClinVar (database versions not stated): ExAC 0.00007; gnomAD exomes 0.00010 and 0.00014; ESP Exome Variant Server 0.00015; gnomAD 0.00019 and 0.00020; TOPMed 0.00019.
gnomAD v4.1: 231 of 1,614,018 alleles (0.014%); highest among the groups gnomAD compares: African/African-American, 0.024%; no homozygotes.

Submissions (6):

CeGaT Center for Human Genetics Tuebingen
Classification: Uncertain significance. Last evaluated: 2025-04-01. Review status: criteria provided, single submitter. Criteria: CeGaT Center For Human Genetics Tuebingen Variant Classification Criteria Version 2. Collection method: clinical testing. Allele origin: germline. Affected: yes. Observed: 1 variant allele.
Comment: LRP4: PM2, PP2, PP3

Fulgent Genetics
Classification: Uncertain significance for Cenani-Lenz syndactyly syndrome; Sclerosteosis 2; Congenital myasthenic syndrome 17. Last evaluated: 2024-04-05. Review status: criteria provided, single submitter. Criteria: ACMG Guidelines, 2015. Collection method: clinical testing. Allele origin: germline.

Revvity Omics, Revvity
Classification: Uncertain significance. Last evaluated: 2023-10-18. Review status: criteria provided, single submitter. Criteria: ACMG Guidelines, 2015. Collection method: clinical testing. Allele origin: germline.

PreventionGenetics, part of Exact Sciences
Classification: Uncertain significance for LRP4-related condition. Last evaluated: 2023-04-19. Review status: criteria provided, single submitter. Criteria: ACMG Guidelines, 2015. Collection method: clinical testing. Allele origin: germline.
Comment: The LRP4 c.3752C>T variant is predicted to result in the amino acid substitution p.Pro1251Leu. To our knowledge, this variant has not been reported in the literature. This variant is reported in 0.025% of alleles in individuals of Latino descent in gnomAD. At this time, the clinical significance of this variant is uncertain due to the absence of conclusive functional and genetic evidence.

Ambry Genetics
Classification: Uncertain significance for Inborn genetic diseases. Last evaluated: 2022-12-06. Review status: criteria provided, single submitter. Criteria: Ambry Variant Classification Scheme 2023. Collection method: clinical testing. Allele origin: germline.

Labcorp Genetics (formerly Invitae), Labcorp
Classification: Uncertain significance for Cenani-Lenz syndactyly syndrome; Sclerosteosis 2; Congenital myasthenic syndrome 17. Last evaluated: 2022-06-10. Review status: criteria provided, single submitter. Criteria: Invitae Variant Classification Sherloc (09022015). Collection method: clinical testing. Allele origin: germline.
Comment: This sequence change replaces proline, which is neutral and non-polar, with leucine, which is neutral and non-polar, at codon 1251 of the LRP4 protein (p.Pro1251Leu). This variant is present in population databases (rs145422541, gnomAD 0.03%). This variant has not been reported in the literature in individuals affected with LRP4-related conditions. ClinVar contains an entry for this variant (Variation ID: 304866). Algorithms developed to predict the effect of missense changes on protein structure and function (SIFT, PolyPhen-2, Align-GVGD) all suggest that this variant is likely to be disruptive. In summary, the available evidence is currently insufficient to determine the role of this variant in disease. Therefore, it has been classified as a Variant of Uncertain Significance.